The following is an entry in ClinVar:

NM_004446.3(EPRS1):c.3148C>T (p.Arg1050Cys)

Gene: EPRS1 (glutamyl-prolyl-tRNA synthetase 1; minus strand). Cytogenetic location: 1q41.
Variant type: single nucleotide variant.
Coding change: c.3148C>T on transcript NM_004446.3 (MANE Select); coding-DNA position 3148, C replaced by T.
Protein change: p.Arg1050Cys; replaces arginine 1050 with cysteine.
Molecular consequence: missense variant.
Genome position (GRCh38, 1-based): chr1:219,983,341, G>A on the plus strand (C>T on the coding strand, the complement: EPRS1 is on the minus strand). VCF-style: chr1-219983341-G-A. GRCh37 (hg19) VCF-style: chr1-220156683-G-A.
Other names: c.3148C>T (NM_004446.2); short protein forms R1050C.
Identifiers: ClinVar variation 800724 (VCV000800724.7), dbSNP rs577103810, ClinGen allele CA1399772.
Genomic context (GRCh38, chr1:219,983,341, plus strand): 5'-TCTTGATCTCAGCATCAAAAAAGTCCTTGATGGCTTCCCAAATGGCATAGGCCCAGGGAC[G>A]AAGAATATAACAGCCACTTATGTCATGGTATTCAATCATTTCTGACTTTGTGATGACCTT-3'
Protein context (NP_004437.2, residues 1040-1060): YHDISGCYIL[Arg1050Cys]PWAYAIWEAI

ClinVar aggregate classification (germline): Uncertain significance. Review status: criteria provided, multiple submitters, no conflicts (2 of 4 stars). 3 submissions from 3 submitters: Uncertain significance (3). Last evaluated 2025-05-21.

Conditions:
Leukodystrophy, hypomyelinating, 15. Identifiers: MedGen C4693733, MONDO:0054782, OMIM 617951.
Inborn genetic diseases. Identifiers: MedGen C0950123, MeSH D030342.

Allele frequency attached by ClinVar (database versions not stated): TOPMed 0.00002; ExAC 0.00003; 1000 Genomes Project 0.00020; gnomAD exomes 0.00001; 1000 Genomes Project 30x 0.00016; gnomAD 0.00001.
gnomAD v4.1: 8 of 1,613,934 alleles (0.0005%); highest among the groups gnomAD compares: East Asian, 0.0022%; no homozygotes.

Submissions (3):

Ambry Genetics
Classification: Uncertain significance for Inborn genetic diseases. Last evaluated: 2025-05-21. Review status: criteria provided, single submitter. Criteria: Ambry Variant Classification Scheme 2023. Collection method: clinical testing. Allele origin: germline.

Labcorp Genetics (formerly Invitae), Labcorp
Classification: Uncertain significance. Last evaluated: 2022-03-22. Review status: criteria provided, single submitter. Criteria: Invitae Variant Classification Sherloc (09022015). Collection method: clinical testing. Allele origin: germline.
Comment: This sequence change replaces arginine, which is basic and polar, with cysteine, which is neutral and slightly polar, at codon 1050 of the EPRS protein (p.Arg1050Cys). This variant is present in population databases (rs577103810, gnomAD 0.007%). This variant has not been reported in the literature in individuals affected with EPRS-related conditions. ClinVar contains an entry for this variant (Variation ID: 800724). Algorithms developed to predict the effect of missense changes on protein structure and function are either unavailable or do not agree on the potential impact of this missense change (SIFT: "Deleterious"; PolyPhen-2: "Probably Damaging"; Align-GVGD: "Class C0"). Algorithms developed to predict the effect of sequence changes on RNA splicing suggest that this variant may create or strengthen a splice site. In summary, the available evidence is currently insufficient to determine the role of this variant in disease. Therefore, it has been classified as a Variant of Uncertain Significance.

Diagnostics Services (NGS), CSIR - Centre For Cellular And Molecular Biology
Classification: Uncertain significance for Leukodystrophy, hypomyelinating, 15. Last evaluated: 2019-10-22. Review status: criteria provided, single submitter. Criteria: ACMG Guidelines, 2015. Collection method: clinical testing. Allele origin: unknown. Inheritance: Autosomal recessive inheritance. Affected: yes. Observed: 1 compound heterozygote.
Comment: The c.3148C>T variant in heterozygous state is present in 1000 genomes, ExAC, gnomAD and dbSNP databases at a very low frequency. The variant is not present in our in-house exome database. The variant was also not reported to OMIM, ClinVar and Human Genome Mutation Database (HGMD) in any other affected individuals. In-silico pathogenicity prediction programs like PolyPhen2, SIFT, Mutation Taster2, CADD etc. predicted this variant as likely disease causing. Due to lack of enough evidence and also considering the phenotype of the patient the variant has been classified as uncertain significance as per ACMG guidelines.